The following is an entry in ClinVar:

ClinVar aggregate classification (germline): Uncertain significance (1 of 4 stars; one submission).

Conditions:
Lissencephaly 6 with microcephaly. Identifiers: Orphanet 1083, MedGen C4015525, MONDO:0014534, OMIM 616212.

Allele frequency attached by ClinVar (database versions not stated): TOPMed 0.00001; gnomAD 0.00002; ExAC 0.00003; 1000 Genomes Project 30x 0.00016.
gnomAD v4.1: 17 of 1,613,582 alleles (0.0011%); highest among the groups gnomAD compares: South Asian, 0.0088%; no homozygotes.

Submission:

Illumina Laboratory Services, Illumina
Classification: Uncertain significance for Lissencephaly 6 with microcephaly. Last evaluated: 2021-09-14. Review status: criteria provided, single submitter. Criteria: ICSLVariantClassificationCriteria RUGD 01 April 2020. Collection method: clinical testing. Allele origin: unknown.
Comment: The KATNB1 c.131G>A (p.Arg44His) variant is a missense variant. A literature search was conducted for the gene, cDNA change, and amino acid change. No publications were identified through this search. The p.Arg44His variant is reported at a frequency of 0.000621 in the South Asian population of the Genome Aggregation Database (version 3.1.1). It is located in the first of six WD repeat domains in the N-terminal region involved in interaction with dynein and LIS1; two other missense variants have been reported in this domain (Mishra-Gorur et al. 2014; Hu et al. 2014). In silico tools do not consistently predict an effect of this variant on protein function. Based on the limited evidence available, the p.Arg44His variant is classified as a variant of uncertain significance for KATNB1-related lissencephaly with microcephaly.

Literature cited by the submitters: PubMed 25521378; PubMed 25521379.

NM_005886.3(KATNB1):c.131G>A (p.Arg44His)

Gene: KATNB1 (katanin regulatory subunit B1; plus strand). Cytogenetic location: 16q21.
Variant type: single nucleotide variant.
Coding change: c.131G>A on transcript NM_005886.3 (MANE Select); coding-DNA position 131, G replaced by A.
Protein change: p.Arg44His; replaces arginine 44 with histidine.
Molecular consequence: missense variant.
Genome position (GRCh38, 1-based): chr16:57,741,777, G>A. VCF-style: chr16-57741777-G-A. GRCh37 (hg19) VCF-style: chr16-57775689-G-A.
Other names: short protein forms R44H.
Identifiers: ClinVar variation 1328151 (VCV001328151.4), dbSNP rs782015039, ClinGen allele CA8080623.